The following is an entry in ClinVar:

NM_173689.7(CRB2):c.2102G>A (p.Ser701Asn)

Gene: CRB2 (crumbs cell polarity complex component 2; plus strand). Cytogenetic location: 9q33.3.
Variant type: single nucleotide variant.
Coding change: c.2102G>A on transcript NM_173689.7 (MANE Select); coding-DNA position 2102, G replaced by A.
Protein change: p.Ser701Asn; replaces serine 701 with asparagine.
Molecular consequence: missense variant. On other transcripts: non-coding transcript variant (1).
Genome position (GRCh38, 1-based): chr9:123,371,244, G>A. VCF-style: chr9-123371244-G-A. GRCh37 (hg19) VCF-style: chr9-126133523-G-A.
Other names: short protein forms S701N.
Identifiers: ClinVar variation 1708816 (VCV001708816.2), dbSNP rs150435361, ClinGen allele CA374865149.
Genomic context (GRCh38, chr9:123,371,244, plus strand): 5'-CCGCTGGCCTGTTGCTCCAGTTTGCCAATGACTCCGCAGCTGGCCTAACAGTATTCCTGA[G>A]TGAGGGTCGGATCCGGGCTGAGGTGCCGGGCAGTCCTGCTGTAGTGCTCCCTGGGCGCTG-3'
Protein context (NP_775960.4, residues 691-711): DSAAGLTVFL[Ser701Asn]EGRIRAEVPG

ClinVar aggregate classification (germline): Uncertain significance (1 of 4 stars; one submission).

Submission:

GeneDx
Classification: Uncertain significance. Last evaluated: 2022-04-05. Review status: criteria provided, single submitter. Criteria: GeneDx Variant Classification Process June 2021. Collection method: clinical testing. Allele origin: germline. Affected: yes.
Comment: Not observed at significant frequency in large population cohorts (gnomAD); In silico analysis supports that this missense variant does not alter protein structure/function; Has not been previously published as pathogenic or benign to our knowledge